The following is an entry in ClinVar:

NM_002880.4(RAF1):c.1668+10_1668+11del

Gene: RAF1 (Raf-1 proto-oncogene, serine/threonine kinase; minus strand). Cytogenetic location: 3p25.2.
Variant type: Microsatellite.
Coding change: c.1668+10_1668+11del on transcript NM_002880.4 (MANE Select); bases 10 to 11 of the intron after coding-DNA position 1668, 2 bases deleted (TG; older notation c.1668+10_1668+11delTG).
Molecular consequence: intron variant.
Genome position (GRCh38, 1-based): chr3:12,585,111-12,585,112, CA deleted on the plus strand (TG on the coding strand, the reverse complement: RAF1 is on the minus strand); deleting any 2 consecutive bases within chr3:12,585,111-12,585,114 gives the same sequence; the c. name uses the placement nearest the transcript's 3' end. VCF-style (leftmost placement, unchanged base first): chr3-12585110-GCA-G. GRCh37 (hg19) VCF-style: chr3-12626609-GCA-G.
Other names: c.1668+10_1668+11delTG (NM_002880.3); c.1326+10_1326+11del (NM_001354695.3); c.1425+10_1425+11del (NM_001354692.3, NM_001354691.3); c.1485+10_1485+11del (NM_001354694.3); c.1569+10_1569+11del (NM_001354693.3); c.1728+10_1728+11del (NM_001354689.3); c.1668+10_1668+11del (NM_001354690.3).
Identifiers: ClinVar variation 227046 (VCV000227046.27), dbSNP rs730880997, ClinGen allele CA297104.
Genomic context (GRCh38, chr3:12,585,110, plus strand): 5'-TCTAGCTGCTTAGGCTGGCGGAGGCCCAGGGGCTCCCACGAGTTGGGTCCTTTCGCACCA[GCA>G]CAGACTTACCTGATCTCGGTTGTTGATGTGAGAATAAGGAAGCTCCCCCGTCATCAGTTC-3'

ClinVar aggregate classification (germline): Benign/Likely benign. Review status: criteria provided, multiple submitters, no conflicts (2 of 4 stars). 10 submissions from 10 submitters: Benign (3); Likely benign (4). 3 of the submissions do not count toward it. Last evaluated 2026-03-27.

Conditions:
RAF1-related disorder. Also called: RAF1-related disorders; RAF1-related condition.
Noonan syndrome and Noonan-related syndrome. Identifiers: Orphanet 98733, MedGen C5681679, MONDO:0020297.
RASopathy. Also called: rasopathies; Noonan spectrum disorder. Identifiers: Orphanet 536391, MedGen C5555857, MONDO:0021060.

Submissions (10):

Molecular Diagnostic Laboratory for Inherited Cardiovascular Disease, Montreal Heart Institute
Classification: Likely benign. Last evaluated: 2026-03-27. Review status: criteria provided, single submitter. Criteria: ACMG Guidelines, 2015. Collection method: clinical testing. Allele origin: germline. Affected: no.
Comment: BS1

Labcorp Genetics (formerly Invitae), Labcorp
Classification: Likely benign for RASopathy. Last evaluated: 2026-02-03. Review status: criteria provided, single submitter. Criteria: Invitae Variant Classification Sherloc (09022015). Collection method: clinical testing. Allele origin: germline.

Blueprint Genetics
Classification: Likely benign. Last evaluated: 2024-11-12. Review status: criteria provided, single submitter. Criteria: ACMG Guidelines, 2015. Collection method: clinical testing. Allele origin: germline.

Genome Diagnostics Laboratory, The Hospital for Sick Children
Classification: Benign for Noonan syndrome and Noonan-related syndrome. Last evaluated: 2021-05-28. Review status: criteria provided, single submitter. Criteria: ACMG Guidelines, 2015. Collection method: clinical testing. Allele origin: germline.

Women's Health and Genetics/Laboratory Corporation of America, LabCorp
Classification: Benign. Last evaluated: 2019-03-25. Review status: criteria provided, single submitter. Criteria: LabCorp Variant Classification Summary - May 2015. Collection method: clinical testing. Allele origin: germline.
Comment: Variant summary: RAF1 c.1668+10_1668+11delTG alters a nucleotide located close to a canonical splice site and therefore could affect mRNA splicing, leading to a significantly altered protein sequence. 5/5 computational tools predict no significant impact on normal splicing. However, these predictions have yet to be confirmed by functional studies. The variant allele was found at a frequency of 0.00044 in 276944 control chromosomes, predominantly at a frequency of 0.0032 within the South Asian subpopulation in the gnomAD database, including 1 homozygotes. The observed variant frequency within South Asian control individuals in the gnomAD database is approximately 128 fold of the estimated maximal expected allele frequency for a pathogenic variant in RAF1 causing Noonan Syndrome and Related Conditions phenotype (2.5e-05), strongly suggesting that the variant is a benign polymorphism found primarily in populations of South Asian origin. To our knowledge, no occurrence of c.1668+10_1668+11delTG in individuals affected with Noonan Syndrome and Related Conditions and no experimental evidence demonstrating its impact on protein function have been reported. Three ClinVar submissions from clinical diagnostic laboratories (evaluation after 2014) cites the variant as likely benign/benign. Based on the evidence outlined above, the variant was classified as benign.

GeneDx
Classification: Likely benign. Last evaluated: 2018-01-02. Review status: criteria provided, single submitter. Criteria: GeneDx Variant Classification (06012015). Collection method: clinical testing. Allele origin: germline. Affected: yes.
Comment: This variant is considered likely benign or benign based on one or more of the following criteria: it is a conservative change, it occurs at a poorly conserved position in the protein, it is predicted to be benign by multiple in silico algorithms, and/or has population frequency not consistent with disease.

Laboratory for Molecular Medicine, Mass General Brigham Personalized Medicine
Classification: Benign. Last evaluated: 2015-04-23. Review status: criteria provided, single submitter. Criteria: LMM Criteria. Collection method: clinical testing. Allele origin: germline. Observed: 1 variant allele.
Comment: c.1668+10_1668+11del in intron 15 of RAF1: This variant is not expected to have clinical significance because it does not alter an amino acid residue and is not located within the splice consensus sequence. This variant has been identified in 0.3% (49/16512) of East Asian chromosomes by the Exome Aggregation Consortium (ExAC).

PreventionGenetics, part of Exact Sciences
Classification: Likely benign for RAF1-related condition. Last evaluated: 2020-09-03. Review status: no assertion criteria provided. Collection method: clinical testing. Allele origin: germline. Not counted in ClinVar's aggregate classification.
Comment: This variant is classified as likely benign based on ACMG/AMP sequence variant interpretation guidelines (Richards et al. 2015 PMID: 25741868, with internal and published modifications).

Clinical Genetics DNA and cytogenetics Diagnostics Lab, Erasmus MC, Erasmus Medical Center
Classification: Likely benign. Review status: no assertion criteria provided. Collection method: clinical testing. Allele origin: germline. Affected: yes. Study: VKGL Data-share Consensus. Not counted in ClinVar's aggregate classification.

Clinical Genetics, Academic Medical Center
Classification: Benign. Review status: no assertion criteria provided. Collection method: clinical testing. Allele origin: germline. Affected: yes. Study: VKGL Data-share Consensus. Not counted in ClinVar's aggregate classification.